The following is an entry in ClinVar:

ClinVar aggregate classification (germline): Uncertain significance. Review status: criteria provided, multiple submitters, no conflicts (2 of 4 stars). 2 submissions from 2 submitters: Uncertain significance (2). Last evaluated 2023-06-05.

Allele frequency attached by ClinVar (database versions not stated): TOPMed 0.00007; gnomAD 0.00009 and 0.00010; gnomAD exomes 0.00010; 1000 Genomes Project 30x 0.00016; ExAC 0.00016; 1000 Genomes Project 0.00020; ESP Exome Variant Server 0.00031.
gnomAD v4.1: 164 of 1,611,494 alleles (0.01%); highest among the groups gnomAD compares: South Asian, 0.064%; no homozygotes.

Submissions (2):

Blueprint Genetics
Classification: Uncertain significance. Last evaluated: 2023-06-05. Review status: criteria provided, single submitter. Criteria: ACMG Guidelines, 2015. Collection method: clinical testing. Allele origin: germline.

Labcorp Genetics (formerly Invitae), Labcorp
Classification: Uncertain significance. Last evaluated: 2022-07-18. Review status: criteria provided, single submitter. Criteria: Invitae Variant Classification Sherloc (09022015). Collection method: clinical testing. Allele origin: germline.
Comment: This sequence change replaces glutamic acid, which is acidic and polar, with lysine, which is basic and polar, at codon 287 of the CEP250 protein (p.Glu287Lys). This variant is present in population databases (rs142201582, gnomAD 0.08%). This variant has not been reported in the literature in individuals affected with CEP250-related conditions. ClinVar contains an entry for this variant (Variation ID: 842856). Algorithms developed to predict the effect of missense changes on protein structure and function are either unavailable or do not agree on the potential impact of this missense change (SIFT: "Not Available"; PolyPhen-2: "Possibly Damaging"; Align-GVGD: "Not Available"). In summary, the available evidence is currently insufficient to determine the role of this variant in disease. Therefore, it has been classified as a Variant of Uncertain Significance.

NM_007186.6(CEP250):c.859G>A (p.Glu287Lys)

Gene: CEP250 (centrosomal protein 250; plus strand). Cytogenetic location: 20q11.22.
Variant type: single nucleotide variant.
Coding change: c.859G>A on transcript NM_007186.6 (MANE Select); coding-DNA position 859, G replaced by A.
Protein change: p.Glu287Lys; replaces glutamic acid 287 with lysine.
Molecular consequence: missense variant. On other transcripts: 5 prime UTR variant (1).
Genome position (GRCh38, 1-based): chr20:35,469,897, G>A. VCF-style: chr20-35469897-G-A. GRCh37 (hg19) VCF-style: chr20-34057722-G-A.
Other names: c.-1041G>A (NM_001318219.1); short protein forms E287K.
Identifiers: ClinVar variation 842856 (VCV000842856.8), dbSNP rs142201582, ClinGen allele CA9832740.
Genomic context (GRCh38, chr20:35,469,897, plus strand): 5'-TCTGTCCACATCCATGGGCTGTTCTGGTGACAGTGCTATGCTCTTCTCTTTAGGGTGACC[G>A]AGCTCTCTGCTCTGTTGACCCAGTCTCAGAAGCAAAATGAAGATTATGAAAAGATGATAA-3'
Protein context (NP_009117.2, residues 277-297): EKAELQDRVT[Glu287Lys]LSALLTQSQK